The following is an entry in ClinVar:

NM_001148.6(ANK2):c.7787A>G (p.Lys2596Arg)

Genes: ANK2 (ankyrin 2; plus strand), LOC126807137 (CDK7 strongly-dependent group 2 enhancer GRCh37_chr4:114276560-114277759; plus strand). Cytogenetic location: 4q26.
Variant type: single nucleotide variant.
Coding change: c.7787A>G on transcript NM_001148.6 (MANE Select); coding-DNA position 7787, A replaced by G.
Protein change: p.Lys2596Arg; replaces lysine 2596 with arginine.
Molecular consequence: missense variant. On other transcripts: intron variant (68).
Genome position (GRCh38, 1-based): chr4:113,356,405, A>G. VCF-style: chr4-113356405-A-G. GRCh37 (hg19) VCF-style: chr4-114277561-A-G.
Other names: c.7553A>G, p.Lys2518Arg (NM_001386142.1); c.4187A>G, p.Lys1396Arg (NM_001386166.1); c.7928A>G, p.Lys2643Arg (NM_001386174.1); c.7904A>G, p.Lys2635Arg (NM_001386175.1); c.4412-4418A>G (NM_001386186.2, NM_001386148.2); c.4214-4418A>G (NM_001354269.3); c.4292-4418A>G (NM_001386187.2); c.4253-4418A>G (NM_001386147.1); and 35 more; short protein forms K1396R, K2518R, K2596R, K2635R, K2643R.
Identifiers: ClinVar variation 3221003 (VCV003221003.1), dbSNP rs774353025, ClinGen allele CA3051653.

ClinVar aggregate classification (germline): Uncertain significance (1 of 4 stars; one submission).

Conditions:
Cardiovascular phenotype. Identifiers: MedGen CN230736.

Allele frequency attached by ClinVar (database versions not stated): ExAC 0.00001.
gnomAD v4.1: 1 of 1,614,184 alleles (0.000062%); no homozygotes.

Submission:

Ambry Genetics
Classification: Uncertain significance for Cardiovascular phenotype. Last evaluated: 2024-02-28. Review status: criteria provided, single submitter. Criteria: Ambry Variant Classification Scheme 2023. Collection method: clinical testing. Allele origin: germline.
Comment: The p.K2596R variant (also known as c.7787A>G), located in coding exon 38 of the ANK2 gene, results from an A to G substitution at nucleotide position 7787. The lysine at codon 2596 is replaced by arginine, an amino acid with highly similar properties. This amino acid position is conserved. In addition, the in silico prediction for this alteration is inconclusive. Based on the available evidence, the clinical significance of this alteration remains unclear.